The following is an entry in ClinVar:

NM_000069.3(CACNA1S):c.1551_1552inv (p.Ala518Thr)

Gene: CACNA1S (calcium voltage-gated channel subunit alpha1 S; minus strand). Cytogenetic location: 1q32.1.
Variant type: Inversion.
Coding change: c.1551_1552inv on transcript NM_000069.3 (MANE Select).
Protein change: p.Ala518Thr; replaces alanine 518 with threonine.
Molecular consequence: missense variant.
Genome position: GRCh38 VCF-style: chr1-201077946-CA-TG. GRCh37 (hg19) VCF-style: chr1-201047074-CA-TG.
Other names: c.1551_1552delinsCA (NM_000069.3); short protein forms A518T.
Identifiers: ClinVar variation 2075003 (VCV002075003.5), ClinGen allele CA2580061949.

ClinVar aggregate classification (germline): Uncertain significance. Review status: criteria provided, multiple submitters, no conflicts (2 of 4 stars). 2 submissions from 2 submitters: Uncertain significance (2). Last evaluated 2026-01-14.

Conditions:
Malignant hyperthermia, susceptibility to, 5 (MHS5). Also called: CACNA1S-Related Malignant Hyperthermia Susceptibility. Identifiers: Orphanet 423, MedGen C1866077, MONDO:0011163, OMIM 601887.
Hypokalemic periodic paralysis, type 1. Also called: Hypokalemic Periodic Paralysis Type 1 (AD); HypoPP. Identifiers: Orphanet 681, MedGen C3714580, MONDO:0042979, OMIM 170400.

Submissions (2):

Labcorp Genetics (formerly Invitae), Labcorp
Classification: Uncertain significance for Hypokalemic periodic paralysis, type 1; Malignant hyperthermia, susceptibility to, 5. Last evaluated: 2026-01-14. Review status: criteria provided, single submitter. Criteria: Invitae Variant Classification Sherloc (09022015). Collection method: clinical testing. Allele origin: germline.
Comment: This sequence change replaces alanine, which is neutral and non-polar, with threonine, which is neutral and polar, at codon 518 of the CACNA1S protein (p.Ala518Thr). Information on the frequency of this variant in the gnomAD database is not available, as this variant may be reported differently in the database. This variant has not been reported in the literature in individuals affected with CACNA1S-related conditions. ClinVar contains an entry for this variant (Variation ID: 2075003). Experimental studies and prediction algorithms are not available or were not evaluated, and the functional significance of this variant is currently unknown. In summary, the available evidence is currently insufficient to determine the role of this variant in disease. Therefore, it has been classified as a Variant of Uncertain Significance.

Color Diagnostics, LLC DBA Color Health
Classification: Uncertain significance for Malignant hyperthermia, susceptibility to, 5. Last evaluated: 2025-06-17. Review status: criteria provided, single submitter. Criteria: ACMG Guidelines, 2015. Collection method: clinical testing. Allele origin: germline.
Comment: This missense variant replaces alanine with threonine at codon 518 of the CACNA1S protein. To our knowledge, functional studies have not been reported for this variant. This variant has not been reported in individuals affected with CACNA1S-related disorders in the literature. This variant has not been identified in the general population by the Genome Aggregation Database (gnomAD). The available evidence is insufficient to determine the role of this variant in disease conclusively. Therefore, this variant is classified as a Variant of Uncertain Significance.